The following is an entry in ClinVar:

NM_153704.6(TMEM67):c.1575+3A>C

Gene: TMEM67 (transmembrane protein 67; plus strand). Cytogenetic location: 8q22.1.
Variant type: single nucleotide variant.
Coding change: c.1575+3A>C on transcript NM_153704.6 (MANE Select); 3 bases into the intron after coding-DNA position 1575, A replaced by C.
Molecular consequence: intron variant.
Genome position (GRCh38, 1-based): chr8:93,791,322, A>C. VCF-style: chr8-93791322-A-C. GRCh37 (hg19) VCF-style: chr8-94803550-A-C.
Other names: c.1332+3A>C (NM_001142301.1).
Identifiers: ClinVar variation 4991854 (VCV004991854.1).

ClinVar aggregate classification (germline): Uncertain significance (1 of 4 stars; one submission).

Conditions:
TMEM67-related disorder. Also called: TMEM67-related disorders; TMEM67-related condition. Identifiers: MedGen CN239423.

Submission:

PreventionGenetics, part of Exact Sciences
Classification: Uncertain significance for TMEM67-related condition. Last evaluated: 2025-08-12. Review status: criteria provided, single submitter. Criteria: ACMG Guidelines, 2015. Collection method: clinical testing. Allele origin: germline.
Comment: The TMEM67 c.1575+3A>C variant is predicted to interfere with splicing. To our knowledge, this variant has not been reported in the literature or in a large population database (gnomAD), indicating this variant is rare. This variant is predicted to alter splicing based on available splicing prediction programs (SpliceAI, Jaganathan et al. 2019. PubMed ID: 30661751). However, the use of computer prediction programs is not equivalent to functional evidence. At this time, the clinical significance of this variant is uncertain due to the absence of conclusive functional and genetic evidence.